The following is an entry in ClinVar:

NM_006767.4(LZTR1):c.341C>T (p.Pro114Leu)

Gene: LZTR1 (leucine zipper like post translational regulator 1; plus strand). Cytogenetic location: 22q11.21.
Variant type: single nucleotide variant.
Coding change: c.341C>T on transcript NM_006767.4 (MANE Select); coding-DNA position 341, C replaced by T.
Protein change: p.Pro114Leu; replaces proline 114 with leucine.
Molecular consequence: missense variant.
Genome position (GRCh38, 1-based): chr22:20,987,524, C>T. VCF-style: chr22-20987524-C-T. GRCh37 (hg19) VCF-style: chr22-21341813-C-T.
Other names: c.341C>T (NM_006767.3); short protein forms P114L.
Identifiers: ClinVar variation 3642090 (VCV003642090.3).
Genomic context (GRCh38, chr22:20,987,524, plus strand): 5'-TGACCCCCGCTGACTCTCACCACCCCTGTGCCCACCCCAGGGCCTTTACCACTGGGACCC[C>T]ACCGGCCCCCCGTTACCACCACTCGGCCGTCGTCTATGGGAGCAGCATGTTTGTCTTTGG-3'
Protein context (NP_006758.2, residues 104-124): SWCRAFTTGT[Pro114Leu]PAPRYHHSAV

ClinVar aggregate classification (germline): Uncertain significance. Review status: criteria provided, multiple submitters, no conflicts (2 of 4 stars). 2 submissions from 2 submitters: Uncertain significance (2). Last evaluated 2025-10-11.

Conditions:
Hereditary cancer-predisposing syndrome. Also called: Hereditary neoplastic syndrome; Tumor predisposition; Hereditary Cancer Syndrome; Neoplastic Syndromes, Hereditary. Identifiers: Orphanet 140162, MedGen C0027672, MeSH D009386, MONDO:0015356.
Cardiovascular phenotype. Identifiers: MedGen CN230736.

gnomAD v4.1: 1 of 1,614,012 alleles (0.000062%); highest among the groups gnomAD compares: Non-Finnish European, 0.000085%; no homozygotes.

Submissions (2):

Ambry Genetics
Classification: Uncertain significance for Cardiovascular phenotype; Hereditary cancer-predisposing syndrome. Last evaluated: 2025-10-11. Review status: criteria provided, single submitter. Criteria: Ambry Variant Classification Scheme 2023. Collection method: clinical testing. Allele origin: germline.
Comment: The p.P114L variant (also known as c.341C>T), located in coding exon 4 of the LZTR1 gene, results from a C to T substitution at nucleotide position 341. The proline at codon 114 is replaced by leucine, an amino acid with similar properties. This amino acid position is conserved. In addition, the in silico prediction for this alteration is inconclusive. Based on the available evidence, the clinical significance of this variant remains unclear.

Labcorp Genetics (formerly Invitae), Labcorp
Classification: Uncertain significance. Last evaluated: 2024-12-28. Review status: criteria provided, single submitter. Criteria: Invitae Variant Classification Sherloc (09022015). Collection method: clinical testing. Allele origin: germline.
Comment: This sequence change replaces proline, which is neutral and non-polar, with leucine, which is neutral and non-polar, at codon 114 of the LZTR1 protein (p.Pro114Leu). This variant is not present in population databases (gnomAD no frequency). This variant has not been reported in the literature in individuals affected with LZTR1-related conditions. Invitae Evidence Modeling of protein sequence and biophysical properties (such as structural, functional, and spatial information, amino acid conservation, physicochemical variation, residue mobility, and thermodynamic stability) indicates that this missense variant is not expected to disrupt LZTR1 protein function with a negative predictive value of 80%. In summary, the available evidence is currently insufficient to determine the role of this variant in disease. Therefore, it has been classified as a Variant of Uncertain Significance.